The following is an entry in ClinVar:

NM_006279.5(ST3GAL3):c.26A>G (p.Asn9Ser)

Gene: ST3GAL3 (ST3 beta-galactoside alpha-2,3-sialyltransferase 3; plus strand). Cytogenetic location: 1p34.1.
Variant type: single nucleotide variant.
Coding change: c.26A>G on transcript NM_006279.5 (MANE Select); coding-DNA position 26, A replaced by G.
Protein change: p.Asn9Ser; replaces asparagine 9 with serine.
Molecular consequence: missense variant. On other transcripts: 5 prime UTR variant (1), non-coding transcript variant (8).
Genome position (GRCh38, 1-based): chr1:43,736,288, A>G. VCF-style: chr1-43736288-A-G. GRCh37 (hg19) VCF-style: chr1-44201959-A-G.
Other names: c.26A>G, p.Asn9Ser (NM_001270459.2, NM_001270460.2, NM_001270461.3 and 17 more transcripts); c.-428A>G (NM_001350621.2); short protein forms N9S.
Identifiers: ClinVar variation 1347106 (VCV001347106.6), dbSNP rs1441726807, ClinGen allele CA340030551.

ClinVar aggregate classification (germline): Uncertain significance (1 of 4 stars; one submission).

Conditions:
Developmental and epileptic encephalopathy. Identifiers: MedGen C5779964, MONDO:0100620.

Allele frequency attached by ClinVar (database versions not stated): gnomAD exomes below 0.00001 and 0.00001.
gnomAD v4.1: 4 of 1,614,150 alleles (0.00025%); highest among the groups gnomAD compares: Admixed American, 0.0017%; no homozygotes.

Submission:

Labcorp Genetics (formerly Invitae), Labcorp
Classification: Uncertain significance for Early-infantile DEE. Last evaluated: 2021-08-31. Review status: criteria provided, single submitter. Criteria: Invitae Variant Classification Sherloc (09022015). Collection method: clinical testing. Allele origin: germline.
Comment: This sequence change replaces asparagine with serine at codon 9 of the ST3GAL3 protein (p.Asn9Ser). The asparagine residue is moderately conserved and there is a small physicochemical difference between asparagine and serine. This variant is not present in population databases (ExAC no frequency). This variant has not been reported in the literature in individuals affected with ST3GAL3-related conditions. Algorithms developed to predict the effect of missense changes on protein structure and function are either unavailable or do not agree on the potential impact of this missense change (SIFT: "Deleterious"; PolyPhen-2: "Benign"; Align-GVGD: "Class C0"). Algorithms developed to predict the effect of sequence changes on RNA splicing suggest that this variant may create or strengthen a splice site. In summary, the available evidence is currently insufficient to determine the role of this variant in disease. Therefore, it has been classified as a Variant of Uncertain Significance.